The following is an entry in ClinVar:

ClinVar aggregate classification (germline): Uncertain significance (1 of 4 stars; one submission).

Submission:

GeneDx
Classification: Uncertain significance. Last evaluated: 2024-08-17. Review status: criteria provided, single submitter. Criteria: GeneDx Variant Classification Process June 2021. Collection method: clinical testing. Allele origin: germline. Affected: yes.
Comment: Not observed at significant frequency in large population cohorts (gnomAD); In silico analysis supports that this missense variant has a deleterious effect on protein structure/function; Has not been previously published as pathogenic or benign to our knowledge

NM_017780.4(CHD7):c.5926C>G (p.Arg1976Gly)

Gene: CHD7 (chromodomain helicase DNA binding protein 7; plus strand). Cytogenetic location: 8q12.2.
Variant type: single nucleotide variant.
Coding change: c.5926C>G on transcript NM_017780.4 (MANE Select); coding-DNA position 5926, C replaced by G.
Protein change: p.Arg1976Gly; replaces arginine 1976 with glycine.
Molecular consequence: missense variant. On other transcripts: intron variant (1).
Genome position (GRCh38, 1-based): chr8:60,852,529, C>G. VCF-style: chr8-60852529-C-G. GRCh37 (hg19) VCF-style: chr8-61765088-C-G.
Other names: c.1717-9700C>G (NM_001316690.1); short protein forms R1976G.
Identifiers: ClinVar variation 3766192 (VCV003766192.1).
Genomic context (GRCh38, chr8:60,852,529, plus strand): 5'-GATGCAAGCTAATATAATCTTTCTAACAGGTGGACAAGAAGAGAAGAGGCTGATTTTTAC[C>G]GTGTGGTATCCACCTTTGGGGTTATTTTTGACCCTGTGAAACAGCAATTTGACTGGAACC-3'
Protein context (NP_060250.2, residues 1966-1986): WTRREEADFY[Arg1976Gly]VVSTFGVIFD